The following is an entry in ClinVar:

NM_004370.6(COL12A1):c.466T>G (p.Phe156Val)

Gene: COL12A1 (collagen type XII alpha 1 chain; minus strand). Cytogenetic location: 6q13.
Variant type: single nucleotide variant.
Coding change: c.466T>G on transcript NM_004370.6 (MANE Select); coding-DNA position 466, T replaced by G.
Protein change: p.Phe156Val; replaces phenylalanine 156 with valine.
Molecular consequence: missense variant. On other transcripts: intron variant (2).
Genome position (GRCh38, 1-based): chr6:75,189,744, A>C on the plus strand (T>G on the coding strand, the complement: COL12A1 is on the minus strand). VCF-style: chr6-75189744-A-C. GRCh37 (hg19) VCF-style: chr6-75899460-A-C.
Other names: c.466T>G, p.Phe156Val (NM_001424113.1, NM_001424114.1, NM_001424115.1); c.73+12976T>G (NM_001424116.1, NM_080645.3); short protein forms F156V.
Identifiers: ClinVar variation 2933688 (VCV002933688.3), dbSNP rs2533604236, ClinGen allele CA364729667.
Genomic context (GRCh38, chr6:75,189,744, plus strand): 5'-TCTCTTCCCCAATGTCAAAAGCAGACACAAGAGCAGCAATGAAGTCTAAAATGTACTTGA[A>C]ATTATTTCTTCCCACACTCCAAGAGCCATCCACGAGGAAAACCAAATCAGTCCAGGCACT-3'
Protein context (NP_004361.3, residues 146-166): DGSWSVGRNN[Phe156Val]KYILDFIAAL

ClinVar aggregate classification (germline): Uncertain significance (1 of 4 stars; one submission).

Conditions:
Ullrich congenital muscular dystrophy 2 (UCMD2). Identifiers: Orphanet 75840, MedGen C4225314, MONDO:0014654, OMIM 616470.
Bethlem myopathy 2 (BTHLM2). Identifiers: Orphanet 536516, Orphanet 610, MedGen C4225313, MONDO:0034022, OMIM 616471.

Submission:

Labcorp Genetics (formerly Invitae), Labcorp
Classification: Uncertain significance for Bethlem myopathy 2; Ullrich congenital muscular dystrophy 2. Last evaluated: 2026-01-13. Review status: criteria provided, single submitter. Criteria: Invitae Variant Classification Sherloc (09022015). Collection method: clinical testing. Allele origin: germline.
Comment: This sequence change replaces phenylalanine, which is neutral and non-polar, with valine, which is neutral and non-polar, at codon 156 of the COL12A1 protein (p.Phe156Val). This variant is not present in population databases (gnomAD no frequency). This variant has not been reported in the literature in individuals affected with COL12A1-related conditions. ClinVar contains an entry for this variant (Variation ID: 2933688). Invitae Evidence Modeling of protein sequence and biophysical properties (such as structural, functional, and spatial information, amino acid conservation, physicochemical variation, residue mobility, and thermodynamic stability) indicates that this missense variant is not expected to disrupt COL12A1 protein function with a negative predictive value of 80%. In summary, the available evidence is currently insufficient to determine the role of this variant in disease. Therefore, it has been classified as a Variant of Uncertain Significance.